The following is an entry in ClinVar:

ClinVar aggregate classification (germline): Uncertain significance (1 of 4 stars; one submission).

Conditions:
Hereditary cancer-predisposing syndrome. Also called: Neoplastic Syndromes, Hereditary; Tumor predisposition; Hereditary Cancer Syndrome; Hereditary neoplastic syndrome. Identifiers: Orphanet 140162, MedGen C0027672, MeSH D009386, MONDO:0015356.

gnomAD v4.1: 1 of 1,604,766 alleles (0.000062%); highest among the groups gnomAD compares: Non-Finnish European, 0.000085%; no homozygotes.

Submission:

Ambry Genetics
Classification: Uncertain significance for Hereditary cancer-predisposing syndrome. Last evaluated: 2026-05-23. Review status: criteria provided, single submitter. Criteria: Ambry Variant Classification Scheme 2023. Collection method: clinical testing. Allele origin: germline.
Comment: The p.K236E variant (also known as c.706A>G), located in coding exon 4 of the RET gene, results from an A to G substitution at nucleotide position 706. The lysine at codon 236 is replaced by glutamic acid, an amino acid with similar properties. This amino acid position is conserved. In addition, this alteration is predicted to be tolerated by in silico analysis. Based on the available evidence, the clinical significance of this variant remains unclear.

NM_020975.6(RET):c.706A>G (p.Lys236Glu)

Gene: RET (ret proto-oncogene; plus strand). Cytogenetic location: 10q11.21.
Variant type: single nucleotide variant.
Coding change: c.706A>G on transcript NM_020975.6 (MANE Select); coding-DNA position 706, A replaced by G.
Protein change: p.Lys236Glu; replaces lysine 236 with glutamic acid.
Molecular consequence: missense variant. On other transcripts: intron variant (22), 5 prime UTR variant (1).
Genome position (GRCh38, 1-based): chr10:43,105,032, A>G. VCF-style: chr10-43105032-A-G. GRCh37 (hg19) VCF-style: chr10-43600480-A-G.
Other names: c.496+2403A>G (NM_001406786.1, NM_001406783.1); c.338-3999A>G (NM_001406778.1, NM_001406775.1, NM_001406776.1 and 1 more transcripts); c.337+4310A>G (NM_001406790.1, NM_001406788.1, NM_001406789.1 and 1 more transcripts); c.74-3999A>G (NM_001406784.1); c.74-7067A>G (NM_001406794.1, NM_001406792.1, NM_001406793.1); c.-57A>G (NM_001355216.2); c.706A>G, p.Lys236Glu (NM_001406743.1, NM_001406744.1, NM_001406759.1 and 6 more transcripts); c.577A>G, p.Lys193Glu (NM_001406761.1, NM_001406762.1, NM_001406764.1 and 2 more transcripts); and 2 more; short protein forms K140E, K193E, K236E.
Identifiers: ClinVar variation 4863280 (VCV004863280.1).
Genomic context (GRCh38, chr10:43,105,032, plus strand): 5'-TGCGCCCCGGACAGCCTGGAGGTGAGCACGCGCTGGGCCCTGGACCGCGAGCAGCGGGAG[A>G]AGTACGAGCTGGTGGCCGTGTGCACCGTGCACGCCGGCGCGCGCGAGGAGGTGGTGATGG-3'
Protein context (NP_066124.1, residues 226-246): RWALDREQRE[Lys236Glu]YELVAVCTVH